The following is an entry in ClinVar:

NM_000343.4(SLC5A1):c.1724C>A (p.Ala575Glu)

Gene: SLC5A1 (solute carrier family 5 member 1; plus strand). Cytogenetic location: 22q12.3.
Variant type: single nucleotide variant.
Coding change: c.1724C>A on transcript NM_000343.4 (MANE Select); coding-DNA position 1724, C replaced by A.
Protein change: p.Ala575Glu; replaces alanine 575 with glutamic acid.
Molecular consequence: missense variant.
Genome position (GRCh38, 1-based): chr22:32,104,844, C>A. VCF-style: chr22-32104844-C-A. GRCh37 (hg19) VCF-style: chr22-32500831-C-A.
Other names: c.1343C>A, p.Ala448Glu (NM_001256314.2); short protein forms A448E, A575E.
Identifiers: ClinVar variation 1347286 (VCV001347286.8), dbSNP rs185883847, ClinGen allele CA10198305.

ClinVar aggregate classification (germline): Uncertain significance (1 of 4 stars; one submission).

Conditions:
Congenital glucose-galactose malabsorption (GGM). Also called: MONOSACCHARIDE MALABSORPTION; DIARRHEA 16. Identifiers: Orphanet 35710, MedGen C0268186, MONDO:0011731, OMIM 606824.

gnomAD v4.1: 6 of 1,613,988 alleles (0.00037%); highest among the groups gnomAD compares: Non-Finnish European, 0.00042%; no homozygotes.

Submission:

Labcorp Genetics (formerly Invitae), Labcorp
Classification: Uncertain significance for Congenital glucose-galactose malabsorption. Last evaluated: 2020-11-14. Review status: criteria provided, single submitter. Criteria: Invitae Variant Classification Sherloc (09022015). Collection method: clinical testing. Allele origin: germline.
Comment: This sequence change replaces alanine with glutamic acid at codon 575 of the SLC5A1 protein (p.Ala575Glu). The alanine residue is moderately conserved and there is a moderate physicochemical difference between alanine and glutamic acid. This variant is present in population databases (rs185883847, ExAC 0.001%). This variant has not been reported in the literature in individuals with SLC5A1-related conditions. Algorithms developed to predict the effect of missense changes on protein structure and function (SIFT, PolyPhen-2, Align-GVGD) all suggest that this variant is likely to be tolerated, but these predictions have not been confirmed by published functional studies and their clinical significance is uncertain. In summary, the available evidence is currently insufficient to determine the role of this variant in disease. Therefore, it has been classified as a Variant of Uncertain Significance.